The following is an entry in ClinVar:

ClinVar aggregate classification (germline): Likely benign (1 of 4 stars; one submission).

Conditions:
PLXNA3-related disorder. Also called: PLXNA3-related condition.

Submission:

PreventionGenetics, part of Exact Sciences
Classification: Likely benign for PLXNA3-related condition. Last evaluated: 2025-08-28. Review status: criteria provided, single submitter. Criteria: ACMG Guidelines, 2015. Collection method: clinical testing. Allele origin: germline.
Comment: This variant is classified as likely benign based on ACMG/AMP sequence variant interpretation guidelines (Richards et al. 2015 PMID: 25741868, with internal and published modifications).

NM_017514.5(PLXNA3):c.5253A>G (p.Val1751=)

Gene: PLXNA3 (plexin A3; plus strand). Cytogenetic location: Xq28.
Variant type: single nucleotide variant.
Coding change: c.5253A>G on transcript NM_017514.5 (MANE Select); coding-DNA position 5253, A replaced by G.
Protein change: p.Val1751=; no amino-acid change (valine 1751 retained).
Molecular consequence: synonymous variant.
Genome position (GRCh38, 1-based): chrX:154,471,201, A>G. VCF-style: chrX-154471201-A-G. GRCh37 (hg19) VCF-style: chrX-153699544-A-G.
Identifiers: ClinVar variation 4990296 (VCV004990296.1).
Genomic context (GRCh38, chrX:154,471,201, plus strand): 5'-CCCGCAGTTCGTGTTCGACATCCACAAGAACAGCATCACGGATGCCTGCCTGTCGGTGGT[A>G]GCCCAGACCTTCATGGACTCCTGCTCTACATCCGAGCACCGCCTGGGGAAGGACTCGCCC-3'
Protein context (NP_059984.3, residues 1741-1761): NSITDACLSV[Val1751=]AQTFMDSCST